The following is an entry in ClinVar:

ClinVar aggregate classification (germline): Pathogenic/Likely pathogenic. Review status: criteria provided, multiple submitters, no conflicts (2 of 4 stars). 2 submissions from 2 submitters: Pathogenic (1); Likely pathogenic (1). Last evaluated 2024-05-23.

Conditions:
Ehlers-Danlos syndrome due to tenascin-X deficiency (EDSCLL1). Also called: TNXB-Related Classical-Like Ehlers-Danlos Syndrome; TNX DEFICIENCY; EDS DUE TO TNX DEFICIENCY; EHLERS-DANLOS SYNDROME, CLASSIC-LIKE; Ehlers-Danlos syndrome, classic-like, 1. Identifiers: Orphanet 230839, MedGen C1848029, MONDO:0011670, OMIM 606408.
Vesicoureteral reflux 8 (VUR8). Identifiers: Orphanet 289365, MedGen C4014831, MONDO:0014422, OMIM 615963.

gnomAD v4.1: 25 of 1,607,364 alleles (0.0016%); highest among the groups gnomAD compares: Non-Finnish European, 0.002%; no homozygotes.

Submissions (2):

Myriad Genetics, Inc.
Classification: Pathogenic for Ehlers-Danlos syndrome due to tenascin-X deficiency. Last evaluated: 2024-05-23. Review status: criteria provided, single submitter. Criteria: Myriad Autosomal Dominant, Autosomal Recessive and X-Linked Classification Criteria (2023). Collection method: clinical testing. Allele origin: unknown.
Comment: NM_019105.6(TNXB):c.612C>A(C204*) is expected to be pathogenic in the context of classical-like Ehlers-Danlos syndrome, TNXB-related. This variant is predicted to lead to an abnormal or absent protein product due to the creation of a premature termination codon in TNXB, a gene where loss-of-function variants are known to be pathogenic. Please note: this variant was assessed in the context of healthy population screening.

Fulgent Genetics
Classification: Likely pathogenic for Ehlers-Danlos syndrome due to tenascin-X deficiency; Vesicoureteral reflux 8. Last evaluated: 2024-04-09. Review status: criteria provided, single submitter. Criteria: ACMG Guidelines, 2015. Collection method: clinical testing. Allele origin: germline.

NM_001365276.2(TNXB):c.612C>A (p.Cys204Ter)

Gene: TNXB (tenascin XB; minus strand). Cytogenetic location: 6p21.33.
Variant type: single nucleotide variant.
Coding change: c.612C>A on transcript NM_001365276.2 (MANE Select); coding-DNA position 612, C replaced by A.
Protein change: p.Cys204Ter; replaces cysteine 204 with a stop codon.
Molecular consequence: nonsense.
Genome position (GRCh38, 1-based): chr6:32,097,241, G>T on the plus strand (C>A on the coding strand, the complement: TNXB is on the minus strand). VCF-style: chr6-32097241-G-T. GRCh37 (hg19) VCF-style: chr6-32065018-G-T.
Other names: c.612C>A, p.Cys204Ter (NM_001428335.1, NM_019105.8); short protein forms C204*.
Identifiers: ClinVar variation 3593485 (VCV003593485.2).